The following is an entry in ClinVar:

ClinVar aggregate classification (germline): Uncertain significance. Review status: criteria provided, multiple submitters, no conflicts (2 of 4 stars). 3 submissions from 3 submitters: Uncertain significance (3). Last evaluated 2024-12-03.

Conditions:
IDUA-related disorder. Also called: IDUA-related condition.
Inborn genetic diseases. Identifiers: MedGen C0950123, MeSH D030342.

Allele frequency attached by ClinVar (database versions not stated): TOPMed below 0.00001; gnomAD 0.00001; gnomAD exomes 0.00001.

Submissions (3):

Ambry Genetics
Classification: Uncertain significance for Inborn genetic diseases. Last evaluated: 2024-12-03. Review status: criteria provided, single submitter. Criteria: Ambry Variant Classification Scheme 2023. Collection method: clinical testing. Allele origin: germline.

PreventionGenetics, part of Exact Sciences
Classification: Uncertain significance for IDUA-related condition. Last evaluated: 2023-08-18. Review status: criteria provided, single submitter. Criteria: ACMG Guidelines, 2015. Collection method: clinical testing. Allele origin: germline.
Comment: The IDUA c.487T>C variant is predicted to result in the amino acid substitution p.Tyr163His. To our knowledge, this variant has not been reported in the literature or in a large population database, indicating this variant is rare. At this time, the clinical significance of this variant is uncertain due to the absence of conclusive functional and genetic evidence.

Revvity Omics, Revvity
Classification: Uncertain significance. Last evaluated: 2020-09-19. Review status: criteria provided, single submitter. Criteria: ACMG Guidelines, 2015. Collection method: clinical testing. Allele origin: germline.

NM_000203.5(IDUA):c.487T>C (p.Tyr163His)

Gene: IDUA (alpha-L-iduronidase; plus strand). Cytogenetic location: 4p16.3.
Variant type: single nucleotide variant.
Coding change: c.487T>C on transcript NM_000203.5 (MANE Select); coding-DNA position 487, T replaced by C.
Protein change: p.Tyr163His; replaces tyrosine 163 with histidine.
Molecular consequence: missense variant. On other transcripts: non-coding transcript variant (1).
Genome position (GRCh38, 1-based): chr4:1,000,983, T>C. VCF-style: chr4-1000983-T-C. GRCh37 (hg19) VCF-style: chr4-994771-T-C.
Other names: c.487T>C (NM_000203.4); c.91T>C, p.Tyr31His (NM_001363576.1); short protein forms Y163H, Y31H.
Identifiers: ClinVar variation 2432785 (VCV002432785.7), dbSNP rs1466543112, ClinGen allele CA355961612.